The following is an entry in ClinVar:

ClinVar aggregate classification (germline): Uncertain significance (1 of 4 stars; one submission).

Conditions:
Neuropathy, hereditary sensory and autonomic, type 2A (HSAN2A). Also called: ACROOSTEOLYSIS, GIACCAI TYPE; ACROOSTEOLYSIS, NEUROGENIC; MORVAN DISEASE; NEUROPATHY, CONGENITAL SENSORY; NEUROPATHY, HEREDITARY SENSORY RADICULAR, AUTOSOMAL RECESSIVE; NEUROPATHY, HEREDITARY SENSORY, TYPE IIA. Identifiers: Orphanet 970, MedGen C2752089, MONDO:0024309, OMIM 201300.
Generalized epilepsy with febrile seizures plus, type 7 (GEFSP7). Also called: GEFS+, TYPE 7. Identifiers: Orphanet 36387, MedGen C2751778, MONDO:0013470, OMIM 613863.

Allele frequency attached by ClinVar (database versions not stated): gnomAD exomes below 0.00001; gnomAD 0.00001.
gnomAD v4.1: 4 of 1,614,006 alleles (0.00025%); highest among the groups gnomAD compares: East Asian, 0.0022%; no homozygotes.

Submission:

Labcorp Genetics (formerly Invitae), Labcorp
Classification: Uncertain significance for Neuropathy, hereditary sensory and autonomic, type 2A; Generalized epilepsy with febrile seizures plus, type 7. Last evaluated: 2025-10-21. Review status: criteria provided, single submitter. Criteria: Invitae Variant Classification Sherloc (09022015). Collection method: clinical testing. Allele origin: germline.
Comment: This sequence change creates a premature translational stop signal (p.Trp1775*) in the SCN9A gene. While this is not anticipated to result in nonsense mediated decay, it is expected to disrupt the last 203 amino acid(s) of the SCN9A protein. This variant is not present in population databases (gnomAD no frequency). This variant has not been reported in the literature in individuals affected with SCN9A-related conditions. ClinVar contains an entry for this variant (Variation ID: 2134069). Experimental studies and prediction algorithms are not available or were not evaluated, and the functional significance of this variant is currently unknown. In summary, the available evidence is currently insufficient to determine the role of this variant in disease. Therefore, it has been classified as a Variant of Uncertain Significance.

NM_001365536.1(SCN9A):c.5358G>A (p.Trp1786Ter)

Genes: SCN9A (sodium voltage-gated channel alpha subunit 9; minus strand), SCN1A-AS1 (SCN1A and SCN9A antisense RNA 1; plus strand). Cytogenetic location: 2q24.3.
Variant type: single nucleotide variant.
Coding change: c.5358G>A on transcript NM_001365536.1 (MANE Select); coding-DNA position 5358, G replaced by A.
Protein change: p.Trp1786Ter; replaces tryptophan 1786 with a stop codon.
Molecular consequence: nonsense.
Genome position (GRCh38, 1-based): chr2:166,199,281, C>T on the plus strand (G>A on the coding strand, the complement: SCN9A is on the minus strand). VCF-style: chr2-166199281-C-T. GRCh37 (hg19) VCF-style: chr2-167055791-C-T.
Other names: c.5325G>A, p.Trp1775Ter (NM_002977.4); short protein forms W1775*, W1786*.
Identifiers: ClinVar variation 2134069 (VCV002134069.4), dbSNP rs936563850, ClinGen allele CA59783764.